The following is an entry in ClinVar:

ClinVar aggregate classification (germline): Uncertain significance (1 of 4 stars; one submission).

Conditions:
Brain malformations with or without urinary tract defects. Also called: Brain malformations and urinary tract defects. Identifiers: MedGen C4478940, MONDO:0100478, OMIM 613735.

Submission:

MVZ Medizinische Genetik Mainz
Classification: Uncertain significance for Brain malformations with or without urinary tract defects. Last evaluated: 2026-10-06. Review status: criteria provided, single submitter. Criteria: UK Practice Guidelines For Variant Classification V4 01 2020. Collection method: clinical testing. Allele origin: germline. Inheritance: Autosomal dominant inheritance. Affected: yes. Observed: 1 variant allele.
Comment: ACMG Criteria: PVS1_MOD,PM2_SUP

NM_001134673.4(NFIA):c.1075+2T>C

Gene: NFIA (nuclear factor I A; plus strand). Cytogenetic location: 1p31.3.
Variant type: single nucleotide variant.
Coding change: c.1075+2T>C on transcript NM_001134673.4 (MANE Select); the canonical splice donor site of the intron after coding-DNA position 1075, T replaced by C.
Molecular consequence: splice donor variant.
Genome position (GRCh38, 1-based): chr1:61,383,367, T>C. VCF-style: chr1-61383367-T-C. GRCh37 (hg19) VCF-style: chr1-61849039-T-C.
Other names: c.1051+2T>C (NM_001145511.2); c.1210+2T>C (NM_001145512.2); c.1075+2T>C (NM_005595.5).
Identifiers: ClinVar variation 5038174 (VCV005038174.1).